The following is an entry in ClinVar:

NM_001384140.1(PCDH15):c.2230C>A (p.Pro744Thr)

Gene: PCDH15 (protocadherin related 15; minus strand). Cytogenetic location: 10q21.1.
Variant type: single nucleotide variant.
Coding change: c.2230C>A on transcript NM_001384140.1 (MANE Select); coding-DNA position 2230, C replaced by A.
Protein change: p.Pro744Thr; replaces proline 744 with threonine.
Molecular consequence: missense variant.
Genome position (GRCh38, 1-based): chr10:54,023,188, G>T on the plus strand (C>A on the coding strand, the complement: PCDH15 is on the minus strand). VCF-style: chr10-54023188-G-T. GRCh37 (hg19) VCF-style: chr10-55782948-G-T.
Other names: c.2245C>A, p.Pro749Thr (NM_001142763.2, NM_001142771.2); c.2230C>A, p.Pro744Thr (NM_001142764.2, NM_001142766.2, NM_001142770.3 and 5 more transcripts); c.2017C>A, p.Pro673Thr (NM_001142765.2); c.2119C>A, p.Pro707Thr (NM_001142767.2); c.2164C>A, p.Pro722Thr (NM_001142768.2, NM_001142773.2, NM_001354404.2); c.2266C>A, p.Pro756Thr (NM_001142769.4); c.2251C>A, p.Pro751Thr (NM_001354411.2); short protein forms P673T, P707T, P722T, P744T, P749T, P751T, P756T.
Identifiers: ClinVar variation 3392742 (VCV003392742.1).

ClinVar aggregate classification (germline): Uncertain significance (1 of 4 stars; one submission).

gnomAD v4.1: 1 of 1,612,914 alleles (0.000062%); highest among the groups gnomAD compares: Non-Finnish European, 0.000085%; no homozygotes.

Submission:

GeneDx
Classification: Uncertain significance. Last evaluated: 2024-06-24. Review status: criteria provided, single submitter. Criteria: GeneDx Variant Classification Process June 2021. Collection method: clinical testing. Allele origin: germline. Affected: yes.
Comment: Not observed at significant frequency in large population cohorts (gnomAD); In silico analysis supports that this missense variant has a deleterious effect on protein structure/function; Has not been previously published as pathogenic or benign to our knowledge